The following is an entry in ClinVar:

NM_001366385.1(CARD14):c.2377T>A (p.Leu793Met)

Genes: CARD14 (caspase recruitment domain family member 14; plus strand), SGSH (N-sulfoglucosamine sulfohydrolase; minus strand). Cytogenetic location: 17q25.3.
Variant type: single nucleotide variant.
Coding change: c.2377T>A on transcript NM_001366385.1 (MANE Select); coding-DNA position 2377, T replaced by A.
Protein change: p.Leu793Met; replaces leucine 793 with methionine.
Molecular consequence: missense variant. On other transcripts: non-coding transcript variant (1).
Genome position (GRCh38, 1-based): chr17:80,204,320, T>A. VCF-style: chr17-80204320-T-A. GRCh37 (hg19) VCF-style: chr17-78178119-T-A.
Other names: c.2377T>A, p.Leu793Met (NM_024110.4); short protein forms L793M.
Identifiers: ClinVar variation 2010953 (VCV002010953.4), dbSNP rs139595123, ClinGen allele CA294882254.

ClinVar aggregate classification (germline): Uncertain significance (1 of 4 stars; one submission).

Conditions:
Pityriasis rubra pilaris (PRP). Also called: Pityriasis rubra pilaris--familial type. Identifiers: Orphanet 2897, MedGen C0032027, MONDO:0100017, OMIM 173200, MONDO:0008251.
Psoriasis 2. Identifiers: MedGen C1864497, MONDO:0011269, OMIM 602723.

gnomAD v4.1: 1 of 1,586,144 alleles (0.000063%); highest among the groups gnomAD compares: Non-Finnish European, 0.000086%; no homozygotes.

Submission:

Labcorp Genetics (formerly Invitae), Labcorp
Classification: Uncertain significance for Pityriasis rubra pilaris; Psoriasis 2. Last evaluated: 2024-03-04. Review status: criteria provided, single submitter. Criteria: Invitae Variant Classification Sherloc (09022015). Collection method: clinical testing. Allele origin: germline.
Comment: This sequence change replaces leucine, which is neutral and non-polar, with methionine, which is neutral and non-polar, at codon 793 of the CARD14 protein (p.Leu793Met). This variant is not present in population databases (gnomAD no frequency). This variant has not been reported in the literature in individuals affected with CARD14-related conditions. ClinVar contains an entry for this variant (Variation ID: 2010953). Advanced modeling of protein sequence and biophysical properties (such as structural, functional, and spatial information, amino acid conservation, physicochemical variation, residue mobility, and thermodynamic stability) performed at Invitae indicates that this missense variant is not expected to disrupt CARD14 protein function with a negative predictive value of 80%. In summary, the available evidence is currently insufficient to determine the role of this variant in disease. Therefore, it has been classified as a Variant of Uncertain Significance.